The following is an entry in ClinVar:

Single allele

Variant type: Deletion.
Identifiers: ClinVar variation 157227 (VCV000157227.2).

ClinVar aggregate classification (germline): not provided (0 of 4 stars; one submission).

Conditions:
Gestational diabetes mellitus uncontrolled. Identifiers: MedGen C3532257.

Submission:

Institute of Molecular and Cell Biology, University of Tartu
No classification provided. Condition: Gestational diabetes mellitus uncontrolled. Review status: no classification provided. Collection method: case-control. Allele origin: unknown. Affected: yes. Study: Kasak2014.
Comment: The study aimed to determine the contribution of copy number variants in the genetic etiology of normal and complicated pregnancies. The samples represented (i) maternal blood DNA drawn from healthy pregnant women during 1st or 2nd trimester and (ii) maternal and paternal blood DNA drawn at term pregnancy cases representing normal and complicated gestations (severe preeclampsia, PE; gestational diabetes, GD; small-for-gestational age newborn, SGA; large-for-gestational age newborn, LGA). We performed CNV calling based on genome-wide genotyping dataset (Illumina HumanOmniExpress-24-v1 BeadChip) by applying three algorithms, QuantiSNP, GADA (Genome Alteration Detection Algorithm) and CNstream in parallel. The acquired CNV calls were merged with HD-CNV (Hotspot Detector for Copy Number Variants) program and only the CNVs predicted by at least two programs, were considered in subsequent analysis.

Literature cited by the submitters: PubMed 25666259.